The following is an entry in ClinVar:

NM_004304.5(ALK):c.2905G>C (p.Ala969Pro)

Gene: ALK (ALK receptor tyrosine kinase; minus strand). Cytogenetic location: 2p23.2.
Variant type: single nucleotide variant.
Coding change: c.2905G>C on transcript NM_004304.5 (MANE Select); coding-DNA position 2905, G replaced by C.
Protein change: p.Ala969Pro; replaces alanine 969 with proline.
Molecular consequence: missense variant.
Genome position (GRCh38, 1-based): chr2:29,227,583, C>G on the plus strand (G>C on the coding strand, the complement: ALK is on the minus strand). VCF-style: chr2-29227583-C-G. GRCh37 (hg19) VCF-style: chr2-29450449-C-G.
Other names: short protein forms A969P.
Identifiers: ClinVar variation 4543262 (VCV004543262.1).

ClinVar aggregate classification (germline): Uncertain significance (1 of 4 stars; one submission).

Conditions:
Hereditary cancer-predisposing syndrome. Also called: Tumor predisposition; Hereditary Cancer Syndrome; Hereditary neoplastic syndrome; Neoplastic Syndromes, Hereditary. Identifiers: Orphanet 140162, MedGen C0027672, MeSH D009386, MONDO:0015356.

Submission:

Ambry Genetics
Classification: Uncertain significance for Hereditary cancer-predisposing syndrome. Last evaluated: 2025-12-01. Review status: criteria provided, single submitter. Criteria: Ambry Variant Classification Scheme 2023. Collection method: clinical testing. Allele origin: germline.
Comment: The p.A969P variant (also known as c.2905G>C), located in coding exon 17 of the ALK gene, results from a G to C substitution at nucleotide position 2905. The alanine at codon 969 is replaced by proline, an amino acid with highly similar properties. This amino acid position is conserved. In addition, the in silico prediction for this alteration is inconclusive. Based on the available evidence, the clinical significance of this variant remains unclear.